The following is an entry in ClinVar:

NM_006379.5(SEMA3C):c.1533G>T (p.Leu511=)

Gene: SEMA3C (semaphorin 3C; minus strand). Cytogenetic location: 7q21.11.
Variant type: single nucleotide variant.
Coding change: c.1533G>T on transcript NM_006379.5 (MANE Select); coding-DNA position 1533, G replaced by T.
Protein change: p.Leu511=; no amino-acid change (leucine 511 retained).
Molecular consequence: synonymous variant.
Genome position (GRCh38, 1-based): chr7:80,758,441, C>A on the plus strand (G>T on the coding strand, the complement: SEMA3C is on the minus strand). VCF-style: chr7-80758441-C-A. GRCh37 (hg19) VCF-style: chr7-80387757-C-A.
Other names: c.1587G>T, p.Leu529= (NM_001350120.2); c.1359G>T, p.Leu453= (NM_001350121.2).
Identifiers: ClinVar variation 3032509 (VCV003032509.2), dbSNP rs777730832, ClinGen allele CA4316065.

ClinVar aggregate classification (germline): Likely benign (0 of 4 stars; one submission).

Conditions:
SEMA3C-related disorder. Also called: SEMA3C-related condition.

Allele frequency attached by ClinVar (database versions not stated): gnomAD exomes 0.00001; ExAC 0.00002; gnomAD 0.00003; TOPMed 0.00003.
gnomAD v4.1: 9 of 1,613,904 alleles (0.00056%); highest among the groups gnomAD compares: African/African-American, 0.0093%; no homozygotes.

Submission:

PreventionGenetics, part of Exact Sciences
Classification: Likely benign for SEMA3C-related condition. Last evaluated: 2022-10-19. Review status: no assertion criteria provided. Collection method: clinical testing. Allele origin: germline.
Comment: This variant is classified as likely benign based on ACMG/AMP sequence variant interpretation guidelines (Richards et al. 2015 PMID: 25741868, with internal and published modifications).